The following is an entry in ClinVar:

NM_206933.4(USH2A):c.1534A>G (p.Ile512Val)

Gene: USH2A (usherin; minus strand). Cytogenetic location: 1q41.
Variant type: single nucleotide variant.
Coding change: c.1534A>G on transcript NM_206933.4 (MANE Select); coding-DNA position 1534, A replaced by G.
Protein change: p.Ile512Val; replaces isoleucine 512 with valine.
Molecular consequence: missense variant.
Genome position (GRCh38, 1-based): chr1:216,323,490, T>C on the plus strand (A>G on the coding strand, the complement: USH2A is on the minus strand). VCF-style: chr1-216323490-T-C. GRCh37 (hg19) VCF-style: chr1-216496832-T-C.
Other names: c.1534A>G, p.Ile512Val (NM_007123.6); short protein forms I512V.
Identifiers: ClinVar variation 2115843 (VCV002115843.4), dbSNP rs2527433501, ClinGen allele CA344909505.

ClinVar aggregate classification (germline): Uncertain significance (1 of 4 stars; one submission).

Submission:

Labcorp Genetics (formerly Invitae), Labcorp
Classification: Uncertain significance. Last evaluated: 2023-11-13. Review status: criteria provided, single submitter. Criteria: Invitae Variant Classification Sherloc (09022015). Collection method: clinical testing. Allele origin: germline.
Comment: This sequence change replaces isoleucine, which is neutral and non-polar, with valine, which is neutral and non-polar, at codon 512 of the USH2A protein (p.Ile512Val). This variant is not present in population databases (gnomAD no frequency). This variant has not been reported in the literature in individuals affected with USH2A-related conditions. ClinVar contains an entry for this variant (Variation ID: 2115843). Advanced modeling of protein sequence and biophysical properties (such as structural, functional, and spatial information, amino acid conservation, physicochemical variation, residue mobility, and thermodynamic stability) performed at Invitae indicates that this missense variant is not expected to disrupt USH2A protein function with a negative predictive value of 95%. In summary, the available evidence is currently insufficient to determine the role of this variant in disease. Therefore, it has been classified as a Variant of Uncertain Significance.